The following is an entry in ClinVar:

NM_001556.3(IKBKB):c.1669G>T (p.Gly557Trp)

Gene: IKBKB (inhibitor of nuclear factor kappa B kinase subunit beta; plus strand). Cytogenetic location: 8p11.21.
Variant type: single nucleotide variant.
Coding change: c.1669G>T on transcript NM_001556.3 (MANE Select); coding-DNA position 1669, G replaced by T.
Protein change: p.Gly557Trp; replaces glycine 557 with tryptophan.
Molecular consequence: missense variant. On other transcripts: non-coding transcript variant (3).
Genome position (GRCh38, 1-based): chr8:42,320,825, G>T. VCF-style: chr8-42320825-G-T. GRCh37 (hg19) VCF-style: chr8-42178343-G-T.
Other names: c.1477G>T, p.Gly493Trp (NM_001190720.3); c.1492G>T, p.Gly498Trp (NM_001242778.2); short protein forms G557W, G498W, G493W.
Identifiers: ClinVar variation 3706626 (VCV003706626.2).

ClinVar aggregate classification (germline): Uncertain significance (1 of 4 stars; one submission).

Conditions:
Severe combined immunodeficiency due to IKK2 deficiency. Also called: Immunodeficiency 15; IMMUNODEFICIENCY 15B. Identifiers: Orphanet 397787, MedGen C4747743, MONDO:0014267, OMIM 615592.

gnomAD v4.1: 4 of 1,599,926 alleles (0.00025%); highest among the groups gnomAD compares: South Asian, 0.0034%; no homozygotes.

Submission:

Labcorp Genetics (formerly Invitae), Labcorp
Classification: Uncertain significance for Severe combined immunodeficiency due to IKK2 deficiency. Last evaluated: 2025-01-09. Review status: criteria provided, single submitter. Criteria: Invitae Variant Classification Sherloc (09022015). Collection method: clinical testing. Allele origin: germline.
Comment: This sequence change replaces glycine, which is neutral and non-polar, with tryptophan, which is neutral and slightly polar, at codon 557 of the IKBKB protein (p.Gly557Trp). This variant is not present in population databases (gnomAD no frequency). This variant has not been reported in the literature in individuals affected with IKBKB-related conditions. Invitae Evidence Modeling of protein sequence and biophysical properties (such as structural, functional, and spatial information, amino acid conservation, physicochemical variation, residue mobility, and thermodynamic stability) indicates that this missense variant is not expected to disrupt IKBKB protein function with a negative predictive value of 95%. In summary, the available evidence is currently insufficient to determine the role of this variant in disease. Therefore, it has been classified as a Variant of Uncertain Significance.